The following is an entry in ClinVar:

NM_001481.3(DRC4):c.145C>T (p.Arg49Ter)

Gene: DRC4 (dynein regulatory complex subunit 4; plus strand). Cytogenetic location: 16q24.3.
Variant type: single nucleotide variant.
Coding change: c.145C>T on transcript NM_001481.3 (MANE Select); coding-DNA position 145, C replaced by T.
Protein change: p.Arg49Ter; replaces arginine 49 with a stop codon.
Molecular consequence: nonsense. On other transcripts: 5 prime UTR variant (2).
Genome position (GRCh38, 1-based): chr16:90,031,353, C>T. VCF-style: chr16-90031353-C-T. GRCh37 (hg19) VCF-style: chr16-90097761-C-T.
Other names: c.-105C>T (NM_001286205.2); c.-377C>T (NM_001286208.2); c.70C>T, p.Arg24Ter (NM_001286209.2); short protein forms R49*, R24*.
Identifiers: ClinVar variation 4792002 (VCV004792002.1).

ClinVar aggregate classification (germline): Pathogenic (1 of 4 stars; one submission).

Conditions:
Primary ciliary dyskinesia 33. Also called: CILIARY DYSKINESIA, PRIMARY, 33, WITHOUT SITUS INVERSUS. Identifiers: Orphanet 244, MedGen C4225230, MONDO:0014750, OMIM 616726.

gnomAD v4.1: 9 of 1,613,500 alleles (0.00056%); highest among the groups gnomAD compares: Admixed American, 0.005%; no homozygotes.

Submission:

Labcorp Genetics (formerly Invitae), Labcorp
Classification: Pathogenic for Primary ciliary dyskinesia 33. Last evaluated: 2025-08-05. Review status: criteria provided, single submitter. Criteria: Invitae Variant Classification Sherloc (09022015). Collection method: clinical testing. Allele origin: germline.
Comment: This sequence change creates a premature translational stop signal (p.Arg49*) in the GAS8 gene. It is expected to result in an absent or disrupted protein product. Loss-of-function variants in GAS8 are known to be pathogenic (PMID: 26387594). This variant is present in population databases (rs771294278, gnomAD 0.002%). This variant has not been reported in the literature in individuals affected with GAS8-related conditions. For these reasons, this variant has been classified as Pathogenic.

Literature cited by the submitters: PubMed 26387594.